The following is an entry in ClinVar:

NM_000486.6(AQP2):c.345C>T (p.Asp115=)

Gene: AQP2 (aquaporin 2; plus strand). Cytogenetic location: 12q13.12.
Variant type: single nucleotide variant.
Coding change: c.345C>T on transcript NM_000486.6 (MANE Select); coding-DNA position 345, C replaced by T.
Protein change: p.Asp115=; no amino-acid change (aspartic acid 115 retained).
Molecular consequence: synonymous variant.
Genome position (GRCh38, 1-based): chr12:49,951,175, C>T. VCF-style: chr12-49951175-C-T. GRCh37 (hg19) VCF-style: chr12-50344958-C-T.
Other names: p.Asp115=.
Identifiers: ClinVar variation 256242 (VCV000256242.20), dbSNP rs60629501, ClinGen allele CA6559205.

ClinVar aggregate classification (germline): Benign/Likely benign. Review status: criteria provided, multiple submitters, no conflicts (2 of 4 stars). 8 submissions from 8 submitters: Benign (5); Likely benign (2). 1 of the submissions does not count toward it. Last evaluated 2026-01-26.

Conditions:
Nephrogenic diabetes insipidus. Identifiers: Orphanet 223, MedGen C0162283, MONDO:0016383, HP:0009806.
Diabetes insipidus, nephrogenic, autosomal (NDI2). Also called: Nephrogenic Diabetes Insipidus, Type II; Diabetes insipidus, nephrogenic, 2, autosomal. Identifiers: Orphanet 223, MedGen C1563706, MONDO:0007451, OMIM 125800.

Allele frequency attached by ClinVar (database versions not stated): 1000 Genomes Project 0.01218; TOPMed 0.01249; ESP Exome Variant Server 0.01332; 1000 Genomes Project 30x 0.01546; gnomAD exomes 0.00295; ExAC 0.00396; gnomAD 0.01171.
gnomAD v4.1: 3,342 of 1,605,318 alleles (0.21%); highest among the groups gnomAD compares: African/African-American, 3.8%; 69 homozygotes.

Submissions (8):

Labcorp Genetics (formerly Invitae), Labcorp
Classification: Benign. Last evaluated: 2026-01-26. Review status: criteria provided, single submitter. Criteria: Invitae Variant Classification Sherloc (09022015). Collection method: clinical testing. Allele origin: germline.

Women's Health and Genetics/Laboratory Corporation of America, LabCorp
Classification: Benign. Last evaluated: 2024-12-06. Review status: criteria provided, single submitter. Criteria: LabCorp Variant Classification Summary - May 2015. Collection method: clinical testing. Allele origin: germline.

Mayo Clinic Laboratories, Mayo Clinic
Classification: Benign. Last evaluated: 2024-09-19. Review status: criteria provided, single submitter. Criteria: ACMG Guidelines, 2015. Collection method: clinical testing. Allele origin: germline. Observed: 1 variant allele.
Comment: BS1, BS2, BP4, BP7

Genome-Nilou Lab
Classification: Benign for Diabetes insipidus, nephrogenic, autosomal. Last evaluated: 2021-12-05. Review status: criteria provided, single submitter. Criteria: ACMG Guidelines, 2015. Collection method: clinical testing. Allele origin: germline. Affected: no.

Illumina Laboratory Services, Illumina
Classification: Benign for Diabetes insipidus, nephrogenic, autosomal. Last evaluated: 2018-01-12. Review status: criteria provided, single submitter. Criteria: ICSL Variant Classification Criteria 13 December 2019. Collection method: clinical testing. Allele origin: germline.
Comment: This variant was observed in the ICSL laboratory as part of a predisposition screen in an ostensibly healthy population. It had not been previously curated by ICSL or reported in the Human Gene Mutation Database (HGMD: prior to June 1st, 2018), and was therefore a candidate for classification through an automated scoring system. Utilizing variant allele frequency, disease prevalence and penetrance estimates, and inheritance mode, an automated score was calculated to assess if this variant is too frequent to cause the disease. Based on the score and internal cut-off values, a variant classified as benign is not then subjected to further curation. The score for this variant resulted in a classification of benign for this disease.

Breakthrough Genomics
Classification: Likely benign. Review status: criteria provided, single submitter. Criteria: ACMG Guidelines, 2015. Collection method: not provided. Allele origin: germline. Inheritance: Autosomal dominant inheritance. Affected: yes.

PreventionGenetics, part of Exact Sciences
Classification: Likely benign. Review status: criteria provided, single submitter. Criteria: ACMG Guidelines, 2015. Collection method: clinical testing. Allele origin: germline.

Natera, Inc.
Classification: Likely benign for Nephrogenic diabetes insipidus. Last evaluated: 2019-12-02. Review status: no assertion criteria provided. Collection method: clinical testing. Allele origin: germline. Not counted in ClinVar's aggregate classification.